The following is an entry in ClinVar:

ClinVar aggregate classification (germline): Uncertain significance. Review status: criteria provided, multiple submitters, no conflicts (2 of 4 stars). 2 submissions from 2 submitters: Uncertain significance (2). Last evaluated 2025-07-20.

Conditions:
Hereditary cancer-predisposing syndrome. Also called: Hereditary Cancer Syndrome; Hereditary neoplastic syndrome; Neoplastic Syndromes, Hereditary; Tumor predisposition. Identifiers: Orphanet 140162, MedGen C0027672, MeSH D009386, MONDO:0015356.
Tuberous sclerosis 2 (TSC2). Identifiers: Orphanet 805, MedGen C1860707, MONDO:0013199, OMIM 613254.

Submissions (2):

Ambry Genetics
Classification: Uncertain significance for Hereditary cancer-predisposing syndrome. Last evaluated: 2025-07-20. Review status: criteria provided, single submitter. Criteria: Ambry Variant Classification Scheme 2023. Collection method: clinical testing. Allele origin: germline.
Comment: The p.T1271A variant (also known as c.3811A>G), located in coding exon 30 of the TSC2 gene, results from an A to G substitution at nucleotide position 3811. The threonine at codon 1271 is replaced by alanine, an amino acid with similar properties. This amino acid position is conserved. In addition, the in silico prediction for this alteration is inconclusive. Based on the available evidence, the clinical significance of this variant remains unclear.

Labcorp Genetics (formerly Invitae), Labcorp
Classification: Uncertain significance for Tuberous sclerosis 2. Last evaluated: 2024-03-01. Review status: criteria provided, single submitter. Criteria: Invitae Variant Classification Sherloc (09022015). Collection method: clinical testing. Allele origin: germline.
Comment: This sequence change replaces threonine, which is neutral and polar, with alanine, which is neutral and non-polar, at codon 1271 of the TSC2 protein (p.Thr1271Ala). This variant is not present in population databases (gnomAD no frequency). This variant has not been reported in the literature in individuals affected with TSC2-related conditions. Advanced modeling of protein sequence and biophysical properties (such as structural, functional, and spatial information, amino acid conservation, physicochemical variation, residue mobility, and thermodynamic stability) performed at Invitae indicates that this missense variant is not expected to disrupt TSC2 protein function with a negative predictive value of 95%. In summary, the available evidence is currently insufficient to determine the role of this variant in disease. Therefore, it has been classified as a Variant of Uncertain Significance.

NM_000548.5(TSC2):c.3811A>G (p.Thr1271Ala)

Gene: TSC2 (TSC complex subunit 2; plus strand). Cytogenetic location: 16p13.3.
Variant type: single nucleotide variant.
Coding change: c.3811A>G on transcript NM_000548.5 (MANE Select); coding-DNA position 3811, A replaced by G.
Protein change: p.Thr1271Ala; replaces threonine 1271 with alanine.
Molecular consequence: missense variant. On other transcripts: non-coding transcript variant (5).
Genome position (GRCh38, 1-based): chr16:2,081,795, A>G. VCF-style: chr16-2081795-A-G. GRCh37 (hg19) VCF-style: chr16-2131796-A-G.
Other names: c.3679A>G, p.Thr1227Ala (NM_001077183.3, NM_001370404.1, NM_001406665.1); c.3811A>G, p.Thr1271Ala (NM_001114382.3); c.3772A>G, p.Thr1258Ala (NM_001406667.1); c.3769A>G, p.Thr1257Ala (NM_001406668.1); c.3700A>G, p.Thr1234Ala (NM_001406670.1); c.3670A>G, p.Thr1224Ala (NM_001406671.1); c.3667A>G, p.Thr1223Ala (NM_001406673.1); c.3664A>G, p.Thr1222Ala (NM_001406675.1); and 18 more; short protein forms T1027A, T1028A, T1071A, T1178A, T1190A, T1208A, T1222A, T780A.
Identifiers: ClinVar variation 3637226 (VCV003637226.3).
Genomic context (GRCh38, chr16:2,081,795, plus strand): 5'-AAGTCACTGTCGGTGCCGGCAGCCAGCACGGCCAAACCCCCTCCTCTGCCTCGCTCCAAC[A>G]CAGGTGAGTGGCATGGCGGGCCTTGGCACGGGCTCTGCTCCCACTGGCCTGGTGCTCCCG-3'
Protein context (NP_000539.2, residues 1261-1281): AKPPPLPRSN[Thr1271Ala]VASFSSLYQS